The following is an entry in ClinVar:

NM_014956.5(CEP164):c.4375C>T (p.Arg1459Cys)

Gene: CEP164 (centrosomal protein 164; plus strand). Cytogenetic location: 11q23.3.
Variant type: single nucleotide variant.
Coding change: c.4375C>T on transcript NM_014956.5 (MANE Select); coding-DNA position 4375, C replaced by T.
Protein change: p.Arg1459Cys; replaces arginine 1459 with cysteine.
Molecular consequence: missense variant.
Genome position (GRCh38, 1-based): chr11:117,412,160, C>T. VCF-style: chr11-117412160-C-T. GRCh37 (hg19) VCF-style: chr11-117282876-C-T.
Other names: c.4375C>T (NM_014956.4); c.4360C>T, p.Arg1454Cys (NM_001271933.2); short protein forms R1459C, R1454C.
Identifiers: ClinVar variation 1437469 (VCV001437469.8), dbSNP rs148650653, ClinGen allele CA6295808.

ClinVar aggregate classification (germline): Uncertain significance. Review status: criteria provided, multiple submitters, no conflicts (2 of 4 stars). 4 submissions from 4 submitters: Uncertain significance (3). 1 of the submissions does not count toward it. Last evaluated 2022-10-24.

Conditions:
Nephronophthisis 15 (NPHP15). Identifiers: Orphanet 3156, MedGen C3541853, MONDO:0013917, OMIM 614845.
CEP164-related disorder. Also called: CEP164-related condition.

Allele frequency attached by ClinVar (database versions not stated): TOPMed 0.00001; gnomAD exomes 0.00002; ExAC 0.00003; gnomAD 0.00005; ESP Exome Variant Server 0.00015.
gnomAD v4.1: 32 of 1,613,886 alleles (0.002%); highest among the groups gnomAD compares: South Asian, 0.0044%; no homozygotes.

Submissions (4):

Labcorp Genetics (formerly Invitae), Labcorp
Classification: Uncertain significance for Nephronophthisis 15. Last evaluated: 2022-10-24. Review status: criteria provided, single submitter. Criteria: Invitae Variant Classification Sherloc (09022015). Collection method: clinical testing. Allele origin: germline.
Comment: This sequence change replaces arginine, which is basic and polar, with cysteine, which is neutral and slightly polar, at codon 1459 of the CEP164 protein (p.Arg1459Cys). The frequency data for this variant in the population databases is considered unreliable, as metrics indicate poor data quality at this position in the gnomAD database. This variant has not been reported in the literature in individuals affected with CEP164-related conditions. ClinVar contains an entry for this variant (Variation ID: 1437469). Advanced modeling of protein sequence and biophysical properties (such as structural, functional, and spatial information, amino acid conservation, physicochemical variation, residue mobility, and thermodynamic stability) performed at Invitae indicates that this missense variant is not expected to disrupt CEP164 protein function. In summary, the available evidence is currently insufficient to determine the role of this variant in disease. Therefore, it has been classified as a Variant of Uncertain Significance.

Fulgent Genetics
Classification: Uncertain significance for Nephronophthisis 15. Last evaluated: 2022-05-16. Review status: criteria provided, single submitter. Criteria: ACMG Guidelines, 2015. Collection method: clinical testing. Allele origin: unknown.

Blueprint Genetics
Classification: Uncertain significance. Last evaluated: 2021-06-04. Review status: criteria provided, single submitter. Criteria: ACMG Guidelines, 2015. Collection method: clinical testing. Allele origin: germline.

PreventionGenetics, part of Exact Sciences
Classification: Uncertain significance for CEP164-related condition. Last evaluated: 2024-07-29. Review status: no assertion criteria provided. Collection method: clinical testing. Allele origin: germline. Not counted in ClinVar's aggregate classification.
Comment: The CEP164 c.4375C>T variant is predicted to result in the amino acid substitution p.Arg1459Cys. To our knowledge, this variant has not been reported in the literature. This variant is reported in 0.0080% of alleles in individuals of European (Finnish) descent in gnomAD. At this time, the clinical significance of this variant is uncertain due to the absence of conclusive functional and genetic evidence.